The following is an entry in ClinVar:

ClinVar aggregate classification (germline): Uncertain significance (1 of 4 stars; one submission).

Conditions:
Autosomal recessive limb-girdle muscular dystrophy type 2J (LGMDR10). Also called: Limb-girdle muscular dystrophy, type 2J; MUSCULAR DYSTROPHY, LIMB-GIRDLE, AUTOSOMAL RECESSIVE 10. Identifiers: Orphanet 140922, MedGen C1837342, MONDO:0012127, OMIM 608807.
Dilated cardiomyopathy 1G (CMD1G). Identifiers: Orphanet 154, MedGen C1858763, MONDO:0011400, OMIM 604145.

Submission:

Labcorp Genetics (formerly Invitae), Labcorp
Classification: Uncertain significance for Dilated cardiomyopathy 1G; Autosomal recessive limb-girdle muscular dystrophy type 2J. Last evaluated: 2022-04-28. Review status: criteria provided, single submitter. Criteria: Invitae Variant Classification Sherloc (09022015). Collection method: clinical testing. Allele origin: germline.
Comment: Experimental studies and prediction algorithms are not available or were not evaluated, and the functional significance of this variant is currently unknown. This variant has not been reported in the literature in individuals affected with TTN-related conditions. This variant is not present in population databases (gnomAD no frequency). This sequence change replaces proline, which is neutral and non-polar, with serine, which is neutral and polar, at codon 34734 of the TTN protein (p.Pro34734Ser). In summary, the available evidence is currently insufficient to determine the role of this variant in disease. Therefore, it has been classified as a Variant of Uncertain Significance. This variant is located in the M band of TTN (PMID: 25589632). Variants in this region may be relevant for neuromuscular disorders, but have not been definitively shown to cause cardiomyopathy (PMID: 23975875).

Literature cited by the submitters: PubMed 25589632; PubMed 23975875.

NM_001267550.2(TTN):c.104200C>T (p.Pro34734Ser)

Genes: TTN-AS1 (TTN antisense RNA 1; plus strand), TTN (titin; minus strand). Cytogenetic location: 2q31.2.
Variant type: single nucleotide variant.
Coding change: c.104200C>T on transcript NM_001267550.2 (MANE Select); coding-DNA position 104200, C replaced by T.
Protein change: p.Pro34734Ser; replaces proline 34734 with serine.
Molecular consequence: missense variant.
Genome position (GRCh38, 1-based): chr2:178,532,415, G>A on the plus strand (C>T on the coding strand, the complement: TTN is on the minus strand). VCF-style: chr2-178532415-G-A. GRCh37 (hg19) VCF-style: chr2-179397142-G-A.
Other names: c.99277C>T, p.Pro33093Ser (NM_001256850.1); c.77005C>T, p.Pro25669Ser (NM_003319.4); c.96496C>T, p.Pro32166Ser (NM_133378.4); c.77380C>T, p.Pro25794Ser (NM_133432.3); c.77581C>T, p.Pro25861Ser (NM_133437.4); short protein forms P25669S, P33093S, P34734S, P32166S, P25794S, P25861S.
Identifiers: ClinVar variation 1921798 (VCV001921798.5), dbSNP rs2468450882, ClinGen allele CA349412255.